The following is an entry in ClinVar:

ClinVar aggregate classification (germline): Pathogenic (1 of 4 stars; one submission).

Submission:

Labcorp Genetics (formerly Invitae), Labcorp
Classification: Pathogenic. Last evaluated: 2023-05-02. Review status: criteria provided, single submitter. Criteria: Invitae Variant Classification Sherloc (09022015). Collection method: clinical testing. Allele origin: germline.
Comment: For these reasons, this variant has been classified as Pathogenic. This sequence change creates a premature translational stop signal (p.Ala66Leufs*4) in the TTC37 gene. It is expected to result in an absent or disrupted protein product. Loss-of-function variants in TTC37 are known to be pathogenic (PMID: 20176027, 21120949). This variant is not present in population databases (gnomAD no frequency). This variant has not been reported in the literature in individuals affected with TTC37-related conditions.

Literature cited by the submitters: PubMed 20176027; PubMed 21120949.

NM_014639.4(SKIC3):c.196del (p.Ala66fs)

Gene: SKIC3 (SKI3 subunit of superkiller complex; minus strand). Cytogenetic location: 5q15.
Variant type: Deletion.
Coding change: c.196del on transcript NM_014639.4 (MANE Select); coding-DNA position 196, one base deleted (G; older notation c.196delG).
Protein change: p.Ala66fs; shifts the reading frame from alanine 66.
Molecular consequence: frameshift variant.
Genome position (GRCh38, 1-based): chr5:95,543,222, C deleted on the plus strand (G on the coding strand, the reverse complement: SKIC3 is on the minus strand). VCF-style (leftmost placement, unchanged base first): chr5-95543221-GC-G. GRCh37 (hg19) VCF-style: chr5-94878925-GC-G.
Other names: short protein forms A66fs.
Identifiers: ClinVar variation 2861695 (VCV002861695.3), dbSNP rs2530808873, ClinGen allele CA2739274951.
Genomic context (GRCh38, chr5:95,543,221, plus strand): 5'-AGAAAAAAAAAATTTCTACATACCTGCCAAGCTAGTAATTGGTCTGGCTCTAATTCAGCA[GC>G]TTTTTTATAGGCACTCTGGGCCTGATCAGGTTGTTCTAGTTCAGCTGCAGCAACGCCAAT-3'